The following is an entry in ClinVar:

ClinVar aggregate classification (germline): Uncertain significance (1 of 4 stars; one submission).

Conditions:
Tyrosinemia type II (TYRSN2). Also called: KERATOSIS PALMOPLANTARIS WITH CORNEAL DYSTROPHY; OREGON TYPE TYROSINEMIA; TAT DEFICIENCY; TYROSINE AMINOTRANSFERASE DEFICIENCY; TYROSINE TRANSAMINASE DEFICIENCY. Identifiers: Orphanet 28378, MedGen C0268487, MONDO:0010160, OMIM 276600.

Allele frequency attached by ClinVar (database versions not stated): gnomAD exomes below 0.00001 and 0.00001; TOPMed 0.00001.
gnomAD v4.1: 5 of 1,613,774 alleles (0.00031%); highest among the groups gnomAD compares: Admixed American, 0.0017%; no homozygotes.

Submission:

Labcorp Genetics (formerly Invitae), Labcorp
Classification: Uncertain significance for Tyrosinemia type II. Last evaluated: 2021-09-29. Review status: criteria provided, single submitter. Criteria: Invitae Variant Classification Sherloc (09022015). Collection method: clinical testing. Allele origin: germline.
Comment: This sequence change replaces glycine with arginine at codon 79 of the TAT protein (p.Gly79Arg). The glycine residue is highly conserved and there is a moderate physicochemical difference between glycine and arginine. This variant also falls at the last nucleotide of exon 2, which is part of the consensus splice site for this exon. This variant is not present in population databases (ExAC no frequency). This variant has not been reported in the literature in individuals affected with TAT-related conditions. Algorithms developed to predict the effect of missense changes on protein structure and function (SIFT, PolyPhen-2, Align-GVGD) all suggest that this variant is likely to be disruptive. Nucleotide substitutions within the consensus splice site are a relatively common cause of aberrant splicing (PMID: 17576681, 9536098). Algorithms developed to predict the effect of sequence changes on RNA splicing suggest that this variant may disrupt the consensus splice site. In summary, the available evidence is currently insufficient to determine the role of this variant in disease. Therefore, it has been classified as a Variant of Uncertain Significance.

Literature cited by the submitters: PubMed 17576681; PubMed 9536098.

NM_000353.3(TAT):c.235G>A (p.Gly79Arg)

Gene: TAT (tyrosine aminotransferase; minus strand). Cytogenetic location: 16q22.2.
Variant type: single nucleotide variant.
Coding change: c.235G>A on transcript NM_000353.3 (MANE Select); coding-DNA position 235, G replaced by A.
Protein change: p.Gly79Arg; replaces glycine 79 with arginine.
Molecular consequence: missense variant.
Genome position (GRCh38, 1-based): chr16:71,576,181, C>T on the plus strand (G>A on the coding strand, the complement: TAT is on the minus strand). VCF-style: chr16-71576181-C-T. GRCh37 (hg19) VCF-style: chr16-71610084-C-T.
Other names: short protein forms G79R.
Identifiers: ClinVar variation 1519019 (VCV001519019.3), dbSNP rs1489707578, ClinGen allele CA396653946.
Genomic context (GRCh38, chr16:71,576,181, plus strand): 5'-CCTGTGAACATGAGAGTAGAGGAGGACAATGACAGCCCCTCAGTAGTGTCCCCAACTCAC[C>T]AATGGACAGGGAAATCATGGTTTTGTTTGGATTTGGTTTCACCTTCATGTTGTCCACAAT-3'
Protein context (NP_000344.1, residues 69-89): PNKTMISLSI[Gly79Arg]DPTVFGNLPT